The following is an entry in ClinVar:

NM_003738.5(PTCH2):c.2674A>G (p.Thr892Ala)

Gene: PTCH2 (patched 2; minus strand). Cytogenetic location: 1p34.1.
Variant type: single nucleotide variant.
Coding change: c.2674A>G on transcript NM_003738.5 (MANE Select); coding-DNA position 2674, A replaced by G.
Protein change: p.Thr892Ala; replaces threonine 892 with alanine.
Molecular consequence: missense variant.
Genome position (GRCh38, 1-based): chr1:44,826,923, T>C on the plus strand (A>G on the coding strand, the complement: PTCH2 is on the minus strand). VCF-style: chr1-44826923-T-C. GRCh37 (hg19) VCF-style: chr1-45292595-T-C.
Other names: c.2674A>G, p.Thr892Ala (NM_001166292.2); short protein forms T892A.
Identifiers: ClinVar variation 4978928 (VCV004978928.1).

ClinVar aggregate classification (germline): Uncertain significance (1 of 4 stars; one submission).

Conditions:
PTCH2-related disorder. Also called: PTCH2-related condition; PTCH2-related disease.

gnomAD v4.1: 6 of 1,613,568 alleles (0.00037%); highest among the groups gnomAD compares: Admixed American, 0.0017%; no homozygotes.

Submission:

PreventionGenetics, part of Exact Sciences
Classification: Uncertain significance for PTCH2-related condition. Last evaluated: 2026-06-16. Review status: criteria provided, single submitter. Criteria: ACMG Guidelines, 2015. Collection method: clinical testing. Allele origin: germline.
Comment: The PTCH2 c.2674A>G variant is predicted to result in the amino acid substitution p.Thr892Ala. To our knowledge, this variant has not been reported in the literature. This variant is reported in 0.0040% of alleles in individuals of African descent in gnomAD. At this time, the clinical significance of this variant is uncertain due to the absence of conclusive functional and genetic evidence.